The following is an entry in ClinVar:

ClinVar aggregate classification (germline): Likely pathogenic (1 of 4 stars; one submission).

Conditions:
Cardiovascular phenotype. Identifiers: MedGen CN230736.

Submission:

Ambry Genetics
Classification: Likely pathogenic for Cardiovascular phenotype. Last evaluated: 2026-05-06. Review status: criteria provided, single submitter. Criteria: Ambry Variant Classification Scheme 2023. Collection method: clinical testing. Allele origin: germline.
Comment: The c.1538-1G>A intronic variant results from a G to A substitution one nucleotide upstream from coding exon 14 of the PRDM5 gene. This variant is considered to be rare based on population cohorts in the Genome Aggregation Database (gnomAD). This nucleotide position is highly conserved in available vertebrate species. In silico splice site analysis predicts that this alteration will weaken the native splice acceptor site. Alterations that disrupt the canonical splice site are expected to cause aberrant splicing, resulting in an abnormal protein or a transcript that is subject to nonsense-mediated mRNA decay. As such, this alteration is classified as likely pathogenic.

NM_018699.4(PRDM5):c.1538-1G>A

Gene: PRDM5 (PR/SET domain 5; minus strand). Cytogenetic location: 4q27.
Variant type: single nucleotide variant.
Coding change: c.1538-1G>A on transcript NM_018699.4 (MANE Select); the canonical splice acceptor site of the intron before coding-DNA position 1538, G replaced by A.
Molecular consequence: splice acceptor variant. On other transcripts: intron variant (1).
Genome position (GRCh38, 1-based): chr4:120,754,639, C>T on the plus strand (G>A on the coding strand, the complement: PRDM5 is on the minus strand). VCF-style: chr4-120754639-C-T. GRCh37 (hg19) VCF-style: chr4-121675794-C-T.
Other names: c.1444+22549G>A (NM_001300824.2); c.1445-1G>A (NM_001379106.1, NM_001300823.2); c.1571-1G>A (NM_001379104.1).
Identifiers: ClinVar variation 4862488 (VCV004862488.1).